The following is an entry in ClinVar:

ClinVar aggregate classification (germline): Pathogenic (1 of 4 stars; one submission).

Conditions:
Neurofibromatosis, type 1 (NF1). Also called: Peripheral type neurofibromatosis; VON RECKLINGHAUSEN DISEASE; NEUROFIBROMATOSIS, TYPE I, SOMATIC; Neurofibromatosis, type I. Identifiers: Orphanet 636, MedGen C0027831, MONDO:0018975, OMIM 162200. Disease mechanism: loss of function.

Submission:

Labcorp Genetics (formerly Invitae), Labcorp
Classification: Pathogenic for Neurofibromatosis, type 1. Last evaluated: 2022-05-24. Review status: criteria provided, single submitter. Criteria: Invitae Variant Classification Sherloc (09022015). Collection method: clinical testing. Allele origin: germline.
Comment: This variant has not been reported in the literature in individuals affected with NF1-related conditions. For these reasons, this variant has been classified as Pathogenic. This variant disrupts a region of the NF1 protein in which other variant(s) (p.Leu2395Pro) have been determined to be pathogenic (PMID: 31370276; Invitae). This suggests that this is a clinically significant region of the protein, and that variants that disrupt it are likely to be disease-causing. This variant is a gross deletion of the genomic region encompassing exon(s) 48-56 of the NF1 gene. This variant would be expected to be in-frame, preserving the integrity of the reading frame.

Literature cited by the submitters: PubMed 31370276.

NC_000017.10:g.(?_29676118)_(29687741_?)del

Gene: NF1 (neurofibromin 1; plus strand). Cytogenetic location: 17q11.2.
Variant type: Deletion.
Identifiers: ClinVar variation 2422729 (VCV002422729.4).